The following is an entry in ClinVar:

ClinVar aggregate classification (germline): Uncertain significance (1 of 4 stars; one submission).

Submission:

Labcorp Genetics (formerly Invitae), Labcorp
Classification: Uncertain significance. Last evaluated: 2022-04-16. Review status: criteria provided, single submitter. Criteria: Invitae Variant Classification Sherloc (09022015). Collection method: clinical testing. Allele origin: germline.
Comment: This sequence change replaces methionine, which is neutral and non-polar, with isoleucine, which is neutral and non-polar, at codon 512 of the TAF1 protein (p.Met512Ile). The frequency data for this variant in the population databases is considered unreliable, as metrics indicate poor data quality at this position in the gnomAD database. This variant has not been reported in the literature in individuals affected with TAF1-related conditions. Advanced modeling of protein sequence and biophysical properties (such as structural, functional, and spatial information, amino acid conservation, physicochemical variation, residue mobility, and thermodynamic stability) performed at Invitae indicates that this missense variant is expected to disrupt TAF1 protein function. In summary, the available evidence is currently insufficient to determine the role of this variant in disease. Therefore, it has been classified as a Variant of Uncertain Significance.

NM_004606.5(TAF1):c.1476G>T (p.Met492Ile)

Gene: TAF1 (TATA-box binding protein associated factor 1; plus strand). Cytogenetic location: Xq13.1.
Variant type: single nucleotide variant.
Coding change: c.1476G>T on transcript NM_004606.5 (MANE Select); coding-DNA position 1476, G replaced by T.
Protein change: p.Met492Ile; replaces methionine 492 with isoleucine.
Molecular consequence: missense variant. On other transcripts: non-coding transcript variant (9).
Genome position (GRCh38, 1-based): chrX:71,381,858, G>T. VCF-style: chrX-71381858-G-T. GRCh37 (hg19) VCF-style: chrX-70601708-G-T.
Other names: c.1476G>T, p.Met492Ile (NM_001286074.2); c.1413G>T, p.Met471Ile (NM_138923.4); short protein forms M471I, M492I.
Identifiers: ClinVar variation 2032464 (VCV002032464.4), dbSNP rs753673566, ClinGen allele CA413512918.